The following is an entry in ClinVar:

ClinVar aggregate classification (germline): Pathogenic (1 of 4 stars; one submission).

Allele frequency attached by ClinVar (database versions not stated): gnomAD 0.00001; TOPMed below 0.00001.

Submission:

GeneDx
Classification: Pathogenic. Last evaluated: 2015-05-14. Review status: criteria provided, single submitter. Criteria: GeneDx Variant Classification (06012015). Collection method: clinical testing. Allele origin: germline. Affected: yes.
Comment: The c.238delC deletion is predicted to cause loss of normal protein function either through protein truncation or nonsense-mediated mRNA decay. Although this variant has not been previously reported to our knowledge, we interpret it to be a pathogenic variant.

NM_000017.4(ACADS):c.238del (p.Leu80fs)

Gene: ACADS (acyl-CoA dehydrogenase short chain; plus strand). Cytogenetic location: 12q24.31.
Variant type: Deletion.
Coding change: c.238del on transcript NM_000017.4 (MANE Select); coding-DNA position 238, one base deleted (C; older notation c.238delC).
Protein change: p.Leu80fs; shifts the reading frame from leucine 80.
Molecular consequence: frameshift variant.
Genome position (GRCh38, 1-based): chr12:120,737,013, C deleted. VCF-style (leftmost placement, unchanged base first): chr12-120737012-TC-T. GRCh37 (hg19) VCF-style: chr12-121174815-TC-T.
Other names: c.238del, p.Leu80fs (NM_001302554.2); short protein forms L80fs.
Identifiers: ClinVar variation 419056 (VCV000419056.2), dbSNP rs1064793612, ClinGen allele CA16619447.